The following is an entry in ClinVar:

NM_013275.6(ANKRD11):c.809C>T (p.Pro270Leu)

Gene: ANKRD11 (ankyrin repeat domain 11; minus strand). Cytogenetic location: 16q24.3.
Variant type: single nucleotide variant.
Coding change: c.809C>T on transcript NM_013275.6 (MANE Select); coding-DNA position 809, C replaced by T.
Protein change: p.Pro270Leu; replaces proline 270 with leucine.
Molecular consequence: missense variant.
Genome position (GRCh38, 1-based): chr16:89,286,122, G>A on the plus strand (C>T on the coding strand, the complement: ANKRD11 is on the minus strand). VCF-style: chr16-89286122-G-A. GRCh37 (hg19) VCF-style: chr16-89352530-G-A.
Other names: c.809C>T, p.Pro270Leu (NM_001256182.2, NM_001256183.2); short protein forms P270L.
Identifiers: ClinVar variation 1206512 (VCV001206512.4), dbSNP rs1451972961, ClinGen allele CA397166407.

ClinVar aggregate classification (germline): Conflicting classifications of pathogenicity. Review status: criteria provided, conflicting classifications (1 of 4 stars). 2 submissions from 2 submitters: Likely pathogenic (1); Uncertain significance (1). Last evaluated 2021-09-01.

Conditions:
KBG syndrome (KBGS). Also called: ANKRD11-Related KBG Syndrome. Identifiers: Orphanet 2332, MedGen C0220687, MONDO:0007846, OMIM 148050.

Allele frequency attached by ClinVar (database versions not stated): gnomAD exomes below 0.00001; TOPMed below 0.00001.
gnomAD v4.1: 3 of 1,614,204 alleles (0.00019%); highest among the groups gnomAD compares: Non-Finnish European, 0.00025%; no homozygotes.

Submissions (2):

MVZ Martinsried, Medicover Genetics
Classification: Uncertain significance for KBG syndrome. Last evaluated: 2021-09-01. Review status: criteria provided, single submitter. Criteria: ACGS Guidelines, 2020. Collection method: clinical testing. Allele origin: unknown. Affected: yes.

GeneDx
Classification: Likely pathogenic. Last evaluated: 2020-12-01. Review status: criteria provided, single submitter. Criteria: GeneDx Variant Classification Process June 2021. Collection method: clinical testing. Allele origin: germline. Affected: yes.
Comment: Not observed in large population cohorts (Lek et al., 2016); In silico analysis supports that this missense variant has a deleterious effect on protein structure/function; Has not been previously published as pathogenic or benign to our knowledge